The following is an entry in ClinVar:

ClinVar aggregate classification (germline): Uncertain significance (1 of 4 stars; one submission).

Submission:

GeneDx
Classification: Uncertain significance. Last evaluated: 2024-12-02. Review status: criteria provided, single submitter. Criteria: GeneDx Variant Classification Process June 2021. Collection method: clinical testing. Allele origin: germline. Affected: yes.
Comment: Not observed at significant frequency in large population cohorts (gnomAD); Frameshift variant predicted to result in abnormal protein length as the last 147 amino acids are replaced with 27 different amino acids; Has not been previously published as pathogenic or benign to our knowledge

NM_057176.3(BSND):c.520_531delinsCTGAGAGTGAAGGGCC (p.Glu174fs)

Gene: BSND (barttin CLCNK type accessory subunit beta; plus strand). Cytogenetic location: 1p32.3.
Variant type: Indel.
Coding change: c.520_531delinsCTGAGAGTGAAGGGCC on transcript NM_057176.3 (MANE Select); coding-DNA positions 520 to 531, GAAAGACGCCTA replaced by CTGAGAGTGAAGGGCC.
Protein change: p.Glu174fs; shifts the reading frame from glutamic acid 174.
Molecular consequence: frameshift variant.
Genome position (GRCh38, 1-based): chr1:55,007,244-55,007,255, GAAAGACGCCTA replaced by CTGAGAGTGAAGGGCC. VCF-style: chr1-55007244-GAAAGACGCCTA-CTGAGAGTGAAGGGCC. GRCh37 (hg19) VCF-style: chr1-55472917-GAAAGACGCCTA-CTGAGAGTGAAGGGCC.
Other names: short protein forms E174fs.
Identifiers: ClinVar variation 3900874 (VCV003900874.1).